The following is an entry in ClinVar:

ClinVar aggregate classification (germline): Benign/Likely benign. Review status: criteria provided, multiple submitters, no conflicts (2 of 4 stars). 30 submissions from 30 submitters: Benign (17); Likely benign (4). 9 of the submissions do not count toward it. Last evaluated 2026-10-01.

Conditions:
APC-Associated Polyposis Disorders.
Hereditary cancer-predisposing syndrome. Also called: Hereditary neoplastic syndrome; Hereditary Cancer Syndrome; Neoplastic Syndromes, Hereditary; Tumor predisposition. Identifiers: Orphanet 140162, MedGen C0027672, MeSH D009386, MONDO:0015356.
Hereditary breast ovarian cancer syndrome. Also called: Hereditary breast and ovarian cancer syndrome; Hereditary breast and ovarian cancer syndrome (HBOC); Breast and ovarian cancer; Hereditary breast and/or ovarian cancer syndrome; BRCA1- and BRCA2-Associated Hereditary Breast and Ovarian Cancer; Hereditary breast and ovarian cancer. Identifiers: Orphanet 145, MedGen C0677776, MeSH D061325, MONDO:0003582. Disease mechanism: loss of function.
Familial adenomatous polyposis 1 (FAP1). Also called: FAMILIAL ADENOMATOUS POLYPOSIS 1, ATTENUATED; POLYPOSIS, ADENOMATOUS INTESTINAL. Identifiers: MedGen C2713442, MONDO:0021056, OMIM 175100. Disease mechanism: loss of function.
Carcinoma of colon (CRC). Also called: Colon carcinoma; Colonic carcinoma. Identifiers: MedGen C0699790, MONDO:0002032.

Allele frequency attached by ClinVar (database versions not stated): 1000 Genomes Project 30x 0.00281; ExAC 0.00413; gnomAD exomes 0.00438 and 0.00740; gnomAD 0.00570 and 0.00561; TOPMed 0.00597; 1000 Genomes Project 0.00300.
gnomAD v4.1: 11,738 of 1,614,214 alleles (0.73%); highest among the groups gnomAD compares: Middle Eastern, 1.2%; 60 homozygotes.

Submissions 1 to 26 of 30:

CeGaT Center for Human Genetics Tuebingen
Classification: Benign. Last evaluated: 2026-10-01. Review status: criteria provided, single submitter. Criteria: CeGaT Center For Human Genetics Tuebingen Variant Classification Criteria Version 2. Collection method: clinical testing. Allele origin: germline. Affected: yes. Observed: 94 variant alleles.
Comment: APC: BP4, BS1, BS2

Labcorp Genetics (formerly Invitae), Labcorp
Classification: Benign for Familial adenomatous polyposis 1. Last evaluated: 2026-02-04. Review status: criteria provided, single submitter. Criteria: Invitae Variant Classification Sherloc (09022015). Collection method: clinical testing. Allele origin: germline.

ARUP Laboratories, Molecular Genetics and Genomics, ARUP Laboratories
Classification: Benign. Last evaluated: 2025-07-10. Review status: criteria provided, single submitter. Criteria: ARUP Molecular Germline Variant Investigation Process 2024. Collection method: clinical testing. Allele origin: germline.

Laboratorio de I+D, Fundación Centro Médico de Asturias
Classification: Benign for Hereditary breast ovarian cancer syndrome. Last evaluated: 2025-07-07. Review status: criteria provided, single submitter. Criteria: ACMG Guidelines, 2015. Collection method: clinical testing. Allele origin: germline.
Comment: BS2+BP4_Moderate+BP1

Center for Genomic Medicine, Rigshospitalet, Copenhagen University Hospital
Classification: Likely benign. Last evaluated: 2025-03-04. Review status: criteria provided, single submitter. Criteria: ACMG Guidelines, 2015. Collection method: clinical testing. Allele origin: germline.

Blueprint Genetics
Classification: Likely benign. Last evaluated: 2024-11-22. Review status: criteria provided, single submitter. Criteria: ACMG Guidelines, 2015. Collection method: clinical testing. Allele origin: germline.

Mayo Clinic Laboratories, Mayo Clinic
Classification: Benign. Last evaluated: 2024-07-17. Review status: criteria provided, single submitter. Criteria: ACMG Guidelines, 2015. Collection method: clinical testing. Allele origin: germline. Observed: 12 variant alleles.
Comment: BA1, BS2, BP1

Myriad Genetics, Inc.
Classification: Benign for Familial adenomatous polyposis 1. Last evaluated: 2024-04-10. Review status: criteria provided, single submitter. Criteria: Myriad Autosomal Dominant, Autosomal Recessive and X-Linked Classification Criteria (2023). Collection method: clinical testing. Allele origin: unknown.
Comment: This variant is considered benign. This variant has been observed at a population frequency that is significantly greater than expected given the associated disease prevalence and penetrance.

Mendelics
Classification: Benign for Familial adenomatous polyposis 1. Last evaluated: 2023-08-22. Review status: criteria provided, single submitter. Criteria: Mendelics Assertion Criteria 2019. Collection method: clinical testing. Allele origin: germline.

Institute for Biomarker Research, Medical Diagnostic Laboratories, L.L.C.
Classification: Benign for Hereditary cancer-predisposing syndrome. Last evaluated: 2023-06-02. Review status: criteria provided, single submitter. Criteria: ACMG Guidelines, 2015. Collection method: clinical testing. Allele origin: germline.

Quest Diagnostics Nichols Institute San Juan Capistrano
Classification: Benign. Last evaluated: 2022-07-21. Review status: criteria provided, single submitter. Criteria: Quest Diagnostics criteria. Collection method: clinical testing. Allele origin: unknown.

Institute for Clinical Genetics, University Hospital TU Dresden, University Hospital TU Dresden
Classification: Likely benign. Last evaluated: 2021-11-03. Review status: criteria provided, single submitter. Criteria: ACMG Guidelines, 2015. Collection method: clinical testing. Allele origin: germline.

Color Diagnostics, LLC DBA Color Health
Classification: Benign for Hereditary cancer-predisposing syndrome. Last evaluated: 2020-11-30. Review status: criteria provided, single submitter. Criteria: ACMG Guidelines, 2015. Collection method: clinical testing. Allele origin: germline.

Sema4
Classification: Benign for Hereditary cancer-predisposing syndrome. Last evaluated: 2020-07-28. Review status: criteria provided, single submitter. Criteria: Sema4 Curation Guidelines. Collection method: curation. Allele origin: germline.

Laboratory for Molecular Medicine, Mass General Brigham Personalized Medicine
Classification: Benign. Last evaluated: 2020-07-01. Review status: criteria provided, single submitter. Criteria: LMM Criteria. Collection method: clinical testing. Allele origin: germline. Observed: 1 variant allele.
Comment: The p.Glu1317Gln variant in APC is classified as benign because of lack of conservation and it has been identified in 0.63% (810/128934, 7 homozygotes) of European chromosomes by gnomAD. While variant is present in >12 papers comments suggesting non-pathogenicity. ACMG/AMP Criteria applied: BA1, BP4.

Ambry Genetics
Classification: Likely benign for Hereditary cancer-predisposing syndrome. Last evaluated: 2019-12-26. Review status: criteria provided, single submitter. Criteria: Ambry Variant Classification Scheme 2023. Collection method: clinical testing. Allele origin: germline.

Genetic Services Laboratory, University of Chicago
Classification: Benign. Last evaluated: 2018-08-01. Review status: criteria provided, single submitter. Criteria: ACMG Guidelines, 2015. Collection method: clinical testing. Allele origin: germline. Affected: no.

Illumina Laboratory Services, Illumina
Classification: Benign for APC-Associated Polyposis Disorders. Last evaluated: 2018-03-06. Review status: criteria provided, single submitter. Criteria: ICSL Variant Classification Criteria 13 December 2019. Collection method: clinical testing. Allele origin: germline.
Comment: This variant was observed in the ICSL laboratory as part of a predisposition screen in an ostensibly healthy population. It had not been previously curated by ICSL or reported in the Human Gene Mutation Database (HGMD: prior to June 1st, 2018), and was therefore a candidate for classification through an automated scoring system. Utilizing variant allele frequency, disease prevalence and penetrance estimates, and inheritance mode, an automated score was calculated to assess if this variant is too frequent to cause the disease. Based on the score and internal cut-off values, a variant classified as benign is not then subjected to further curation. The score for this variant resulted in a classification of benign for this disease.

Eurofins Ntd Llc (ga)
Classification: Benign. Last evaluated: 2014-12-03. Review status: criteria provided, single submitter. Criteria: EGL Classification Definitions 2015. Collection method: clinical testing. Allele origin: germline. Observed: 1 variant allele, 1 heterozygote.

GeneDx
Classification: Benign. Last evaluated: 2013-10-10. Review status: criteria provided, single submitter. Criteria: GeneDx Variant Classification (06012015). Collection method: clinical testing. Allele origin: germline. Affected: yes.
Comment: This variant is considered likely benign or benign based on one or more of the following criteria: it is a conservative change, it occurs at a poorly conserved position in the protein, it is predicted to be benign by multiple in silico algorithms, and/or has population frequency not consistent with disease.

PreventionGenetics, part of Exact Sciences
Classification: Benign. Review status: criteria provided, single submitter. Criteria: ACMG Guidelines, 2015. Collection method: clinical testing. Allele origin: germline.

Biochemical Molecular Genetic Laboratory, King Abdulaziz Medical City
Classification: Benign for Familial adenomatous polyposis 1. Last evaluated: 2020-02-05. Review status: no assertion criteria provided. Collection method: clinical testing. Allele origin: germline. Affected: yes. Not counted in ClinVar's aggregate classification.

True Health Diagnostics
Classification: Likely benign for Hereditary cancer-predisposing syndrome. Last evaluated: 2017-08-11. Review status: no assertion criteria provided. Collection method: clinical testing. Allele origin: germline. Not counted in ClinVar's aggregate classification.

Counsyl
Classification: Likely benign for Familial adenomatous polyposis 1. Last evaluated: 2017-05-18. Review status: no assertion criteria provided. Collection method: clinical testing. Allele origin: unknown. Not counted in ClinVar's aggregate classification.

Pathway Genomics
Classification: Likely benign for Adenomatous polyposis coli. Last evaluated: 2014-07-24. Review status: no assertion criteria provided. Collection method: clinical testing. Allele origin: germline. Not counted in ClinVar's aggregate classification.

ITMI
No classification provided. Condition: AllHighlyPenetrant. Last evaluated: 2013-09-19. Review status: no classification provided. Collection method: reference population. Allele origin: germline. Not counted in ClinVar's aggregate classification.
Comment: Please see associated publication for description of ethnicities

NM_000038.6(APC):c.3949G>C (p.Glu1317Gln)

Gene: APC (APC regulator of Wnt signaling pathway; plus strand). Cytogenetic location: 5q22.2.
Variant type: single nucleotide variant.
Coding change: c.3949G>C on transcript NM_000038.6 (MANE Select); coding-DNA position 3949, G replaced by C.
Protein change: p.Glu1317Gln; replaces glutamic acid 1317 with glutamine.
Molecular consequence: missense variant.
Genome position (GRCh38, 1-based): chr5:112,839,543, G>C. VCF-style: chr5-112839543-G-C. GRCh37 (hg19) VCF-style: chr5-112175240-G-C.
Other names: p.E1317Q:GAA>CAA; CCDS4107.1:c.3949G>C; c.3571G>C, p.Glu1191Gln (NM_001354904.2); c.3469G>C, p.Glu1157Gln (NM_001354905.2); c.3100G>C, p.Glu1034Gln (NM_001354906.2); c.3949G>C, p.Glu1317Gln (NM_001127510.3, NM_001354895.2); c.3895G>C, p.Glu1299Gln (NM_001127511.3); c.4003G>C, p.Glu1335Gln (NM_001354896.2); and 7 more; short protein forms E1317Q, E1299Q, E1276Q, E1226Q, E1327Q, E1216Q, E1258Q, E1034Q.
Identifiers: ClinVar variation 829 (VCV000000829.106), dbSNP rs1801166, ClinGen allele CA008815.